The following is an entry in ClinVar:

ClinVar aggregate classification (germline): Uncertain significance (1 of 4 stars; one submission).

gnomAD v4.1: 1 of 1,614,054 alleles (0.000062%); highest among the groups gnomAD compares: African/African-American, 0.0013%; no homozygotes.

Submission:

Labcorp Genetics (formerly Invitae), Labcorp
Classification: Uncertain significance. Last evaluated: 2024-05-24. Review status: criteria provided, single submitter. Criteria: Invitae Variant Classification Sherloc (09022015). Collection method: clinical testing. Allele origin: germline.
Comment: This sequence change replaces lysine, which is basic and polar, with arginine, which is basic and polar, at codon 592 of the PRPF3 protein (p.Lys592Arg). This variant is not present in population databases (gnomAD no frequency). This variant has not been reported in the literature in individuals affected with PRPF3-related conditions. Advanced modeling of protein sequence and biophysical properties (such as structural, functional, and spatial information, amino acid conservation, physicochemical variation, residue mobility, and thermodynamic stability) performed at Invitae indicates that this missense variant is not expected to disrupt PRPF3 protein function with a negative predictive value of 80%. In summary, the available evidence is currently insufficient to determine the role of this variant in disease. Therefore, it has been classified as a Variant of Uncertain Significance.

NM_004698.4(PRPF3):c.1775A>G (p.Lys592Arg)

Gene: PRPF3 (pre-mRNA processing factor 3; plus strand). Cytogenetic location: 1q21.2.
Variant type: single nucleotide variant.
Coding change: c.1775A>G on transcript NM_004698.4 (MANE Select); coding-DNA position 1775, A replaced by G.
Protein change: p.Lys592Arg; replaces lysine 592 with arginine.
Molecular consequence: missense variant. On other transcripts: non-coding transcript variant (4).
Genome position (GRCh38, 1-based): chr1:150,346,423, A>G. VCF-style: chr1-150346423-A-G. GRCh37 (hg19) VCF-style: chr1-150318899-A-G.
Other names: c.1370A>G, p.Lys457Arg (NM_001350529.1); short protein forms K457R, K592R.
Identifiers: ClinVar variation 3604989 (VCV003604989.2).